The following is an entry in ClinVar:

NM_005228.5(EGFR):c.2493T>C (p.Arg831=)

Gene: EGFR (epidermal growth factor receptor; plus strand). Cytogenetic location: 7p11.2.
Variant type: single nucleotide variant.
Coding change: c.2493T>C on transcript NM_005228.5 (MANE Select); coding-DNA position 2493, T replaced by C.
Protein change: p.Arg831=; no amino-acid change (arginine 831 retained).
Molecular consequence: synonymous variant.
Genome position (GRCh38, 1-based): chr7:55,191,742, T>C. VCF-style: chr7-55191742-T-C. GRCh37 (hg19) VCF-style: chr7-55259435-T-C.
Other names: c.2358T>C, p.Arg786= (NM_001346897.2, NM_001346899.2); c.2493T>C, p.Arg831= (NM_001346898.2); c.2334T>C, p.Arg778= (NM_001346900.2); c.1692T>C, p.Arg564= (NM_001346941.2); c.2493T>C (NM_005228.4, NM_005228.3).
Identifiers: ClinVar variation 1122463 (VCV001122463.12), dbSNP rs182196240, ClinGen allele CA4266103.

ClinVar aggregate classification (germline): Benign/Likely benign. Review status: criteria provided, multiple submitters, no conflicts (2 of 4 stars). 4 submissions from 4 submitters: Benign (1); Likely benign (3). Last evaluated 2026-08-25.

Conditions:
EGFR-related lung cancer (EGFR). Identifiers: MedGen CN130014.
Lung cancer. Also called: Lung cancer, somatic; Malignant tumor of lung. Identifiers: MedGen C0242379, MONDO:0008903, OMIM 211980.
Hereditary cancer-predisposing syndrome. Also called: Tumor predisposition; Hereditary Cancer Syndrome; Neoplastic Syndromes, Hereditary; Hereditary neoplastic syndrome. Identifiers: Orphanet 140162, MedGen C0027672, MeSH D009386, MONDO:0015356.
EGFR-related disorder. Also called: EGFR-related condition.

Allele frequency attached by ClinVar (database versions not stated): gnomAD 0.00001; TOPMed 0.00001; 1000 Genomes Project 30x 0.00016; 1000 Genomes Project 0.00020.
gnomAD v4.1: 9 of 1,613,940 alleles (0.00056%); highest among the groups gnomAD compares: East Asian, 0.0022%; no homozygotes.

Submissions (4):

PreventionGenetics, part of Exact Sciences
Classification: Likely benign for EGFR-related condition. Last evaluated: 2026-08-25. Review status: criteria provided, single submitter. Criteria: ACMG Guidelines, 2015. Collection method: clinical testing. Allele origin: germline.
Comment: This variant is classified as likely benign based on ACMG/AMP sequence variant interpretation guidelines (Richards et al. 2015 PMID: 25741868, with internal and published modifications).

Labcorp Genetics (formerly Invitae), Labcorp
Classification: Likely benign for EGFR-related lung cancer. Last evaluated: 2025-11-23. Review status: criteria provided, single submitter. Criteria: Invitae Variant Classification Sherloc (09022015). Collection method: clinical testing. Allele origin: germline.

Ambry Genetics
Classification: Likely benign for Hereditary cancer-predisposing syndrome. Last evaluated: 2025-01-02. Review status: criteria provided, single submitter. Criteria: Ambry Variant Classification Scheme 2023. Collection method: clinical testing. Allele origin: germline.

Myriad Genetics, Inc.
Classification: Benign for Lung cancer. Last evaluated: 2024-10-17. Review status: criteria provided, single submitter. Criteria: Myriad Autosomal Dominant, Autosomal Recessive and X-Linked Classification Criteria (2023). Collection method: clinical testing. Allele origin: unknown.
Comment: This variant is considered benign. This variant is a silent/synonymous amino acid change and it is not expected to impact splicing.